The following is an entry in ClinVar:

NM_000601.6(HGF):c.1627G>A (p.Asp543Asn)

Gene: HGF (hepatocyte growth factor; minus strand). Cytogenetic location: 7q21.11.
Variant type: single nucleotide variant.
Coding change: c.1627G>A on transcript NM_000601.6 (MANE Select); coding-DNA position 1627, G replaced by A.
Protein change: p.Asp543Asn; replaces aspartic acid 543 with asparagine.
Molecular consequence: missense variant.
Genome position (GRCh38, 1-based): chr7:81,706,417, C>T on the plus strand (G>A on the coding strand, the complement: HGF is on the minus strand). VCF-style: chr7-81706417-C-T. GRCh37 (hg19) VCF-style: chr7-81335733-C-T.
Other names: c.1612G>A, p.Asp538Asn (NM_001010932.3); short protein forms D538N, D543N.
Identifiers: ClinVar variation 3903382 (VCV003903382.1).

ClinVar aggregate classification (germline): Uncertain significance (1 of 4 stars; one submission).

Submission:

GeneDx
Classification: Uncertain significance. Last evaluated: 2024-12-10. Review status: criteria provided, single submitter. Criteria: GeneDx Variant Classification Process June 2021. Collection method: clinical testing. Allele origin: germline. Affected: yes.
Comment: Not observed at significant frequency in large population cohorts (gnomAD); In silico analysis indicates that this missense variant does not alter protein structure/function; Has not been previously published as pathogenic or benign to our knowledge